The following is an entry in ClinVar:

ClinVar aggregate classification (germline): Benign. Review status: criteria provided, multiple submitters, no conflicts (2 of 4 stars). 5 submissions from 5 submitters: Benign (5). Last evaluated 2026-01-27.

Conditions:
Cataract 6 multiple types. Also called: CATARACT, AGE-RELATED CORTICAL, 2; CATARACT 6, POSTERIOR POLAR; CATARACT 6, CONGENITAL TOTAL. Identifiers: Orphanet 91492, MedGen C1861825, MONDO:0007288, OMIM 116600.

Allele frequency attached by ClinVar (database versions not stated): 1000 Genomes Project 30x 0.00265; 1000 Genomes Project 0.00280; TOPMed 0.01008; gnomAD exomes 0.01128; ExAC 0.01165; ESP Exome Variant Server 0.01169; gnomAD 0.01236 and 0.01597.
gnomAD v4.1: 21,952 of 1,613,926 alleles (1.4%); highest among the groups gnomAD compares: Non-Finnish European, 1.6%; 211 homozygotes.

Submissions (5):

Labcorp Genetics (formerly Invitae), Labcorp
Classification: Benign for Cataract 6 multiple types. Last evaluated: 2026-01-27. Review status: criteria provided, single submitter. Criteria: Invitae Variant Classification Sherloc (09022015). Collection method: clinical testing. Allele origin: germline.

GeneDx
Classification: Benign. Last evaluated: 2020-02-27. Review status: criteria provided, single submitter. Criteria: GeneDx Variant Classification Process June 2021. Collection method: clinical testing. Allele origin: germline. Affected: yes.

Illumina Laboratory Services, Illumina
Classification: Benign for Cataract 6 multiple types. Last evaluated: 2018-01-13. Review status: criteria provided, single submitter. Criteria: ICSL Variant Classification Criteria 13 December 2019. Collection method: clinical testing. Allele origin: germline.
Comment: This variant was observed in the ICSL laboratory as part of a predisposition screen in an ostensibly healthy population. It had not been previously curated by ICSL or reported in the Human Gene Mutation Database (HGMD: prior to June 1st, 2018), and was therefore a candidate for classification through an automated scoring system. Utilizing variant allele frequency, disease prevalence and penetrance estimates, and inheritance mode, an automated score was calculated to assess if this variant is too frequent to cause the disease. Based on the score and internal cut-off values, a variant classified as benign is not then subjected to further curation. The score for this variant resulted in a classification of benign for this disease.

Breakthrough Genomics
Classification: Benign. Review status: criteria provided, single submitter. Criteria: ACMG Guidelines, 2015. Collection method: not provided. Allele origin: germline. Inheritance: Autosomal dominant inheritance. Affected: yes.

PreventionGenetics, part of Exact Sciences
Classification: Benign. Review status: criteria provided, single submitter. Criteria: ACMG Guidelines, 2015. Collection method: clinical testing. Allele origin: germline.

NM_004431.5(EPHA2):c.2352C>T (p.Thr784=)

Gene: EPHA2 (EPH receptor A2; minus strand). Cytogenetic location: 1p36.13.
Variant type: single nucleotide variant.
Coding change: c.2352C>T on transcript NM_004431.5 (MANE Select); coding-DNA position 2352, C replaced by T.
Protein change: p.Thr784=; no amino-acid change (threonine 784 retained).
Molecular consequence: synonymous variant.
Genome position (GRCh38, 1-based): chr1:16,131,844, G>A on the plus strand (C>T on the coding strand, the complement: EPHA2 is on the minus strand). VCF-style: chr1-16131844-G-A. GRCh37 (hg19) VCF-style: chr1-16458339-G-A.
Other names: c.2190C>T, p.Thr730= (NM_001329090.2).
Identifiers: ClinVar variation 259390 (VCV000259390.16), dbSNP rs112285834, ClinGen allele CA624847.